The following is an entry in ClinVar:

ClinVar aggregate classification (germline): Uncertain significance (1 of 4 stars; one submission).

Allele frequency attached by ClinVar (database versions not stated): gnomAD 0.00002; gnomAD exomes below 0.00001; TOPMed 0.00001.
gnomAD v4.1: 8 of 1,614,070 alleles (0.0005%); highest among the groups gnomAD compares: African/African-American, 0.0067%; no homozygotes.

Submission:

Labcorp Genetics (formerly Invitae), Labcorp
Classification: Uncertain significance. Last evaluated: 2025-05-21. Review status: criteria provided, single submitter. Criteria: Invitae Variant Classification Sherloc (09022015). Collection method: clinical testing. Allele origin: germline.
Comment: This sequence change replaces leucine, which is neutral and non-polar, with proline, which is neutral and non-polar, at codon 349 of the RNF31 protein (p.Leu349Pro). This variant is present in population databases (no rsID available, gnomAD 0.01%). This variant has not been reported in the literature in individuals affected with RNF31-related conditions. ClinVar contains an entry for this variant (Variation ID: 2988745). An algorithm developed to predict the effect of missense changes on protein structure and function outputs the following: PolyPhen-2: "Benign". The proline amino acid residue is found in multiple mammalian species, which suggests that this missense change does not adversely affect protein function. In summary, the available evidence is currently insufficient to determine the role of this variant in disease. Therefore, it has been classified as a Variant of Uncertain Significance.

NM_017999.5(RNF31):c.1046T>C (p.Leu349Pro)

Gene: RNF31 (ring finger protein 31; plus strand). Cytogenetic location: 14q12.
Variant type: single nucleotide variant.
Coding change: c.1046T>C on transcript NM_017999.5 (MANE Select); coding-DNA position 1046, T replaced by C.
Protein change: p.Leu349Pro; replaces leucine 349 with proline.
Molecular consequence: missense variant.
Genome position (GRCh38, 1-based): chr14:24,150,297, T>C. VCF-style: chr14-24150297-T-C. GRCh37 (hg19) VCF-style: chr14-24619506-T-C.
Other names: c.593T>C, p.Leu198Pro (NM_001310332.2); short protein forms L198P, L349P.
Identifiers: ClinVar variation 2988745 (VCV002988745.3), dbSNP rs968369903, ClinGen allele CA257872344.